The following is an entry in ClinVar:

NM_006612.6(KIF1C):c.628A>C (p.Met210Leu)

Gene: KIF1C (kinesin family member 1C; plus strand). Cytogenetic location: 17p13.2.
Variant type: single nucleotide variant.
Coding change: c.628A>C on transcript NM_006612.6 (MANE Select); coding-DNA position 628, A replaced by C.
Protein change: p.Met210Leu; replaces methionine 210 with leucine.
Molecular consequence: missense variant.
Genome position (GRCh38, 1-based): chr17:5,002,750, A>C. VCF-style: chr17-5002750-A-C. GRCh37 (hg19) VCF-style: chr17-4906045-A-C.
Other names: short protein forms M210L.
Identifiers: ClinVar variation 2498688 (VCV002498688.28), dbSNP rs938481858, ClinGen allele CA397346239.

ClinVar aggregate classification (germline): Uncertain significance (1 of 4 stars; one submission).

gnomAD v4.1: 1 of 1,614,054 alleles (0.000062%); highest among the groups gnomAD compares: Non-Finnish European, 0.000085%; no homozygotes.

Submission:

CeGaT Center for Human Genetics Tuebingen
Classification: Uncertain significance. Last evaluated: 2023-01-01. Review status: criteria provided, single submitter. Criteria: CeGaT Center For Human Genetics Tuebingen Variant Classification Criteria Version 2. Collection method: clinical testing. Allele origin: germline. Affected: yes. Observed: 2 variant alleles.
Comment: KIF1C: PM2, PP3